The following is an entry in ClinVar:

NM_000264.5(PTCH1):c.4280T>C (p.Val1427Ala)

Gene: PTCH1 (patched 1; minus strand). Cytogenetic location: 9q22.32.
Variant type: single nucleotide variant.
Coding change: c.4280T>C on transcript NM_000264.5 (MANE Select); coding-DNA position 4280, T replaced by C.
Protein change: p.Val1427Ala; replaces valine 1427 with alanine.
Molecular consequence: missense variant. On other transcripts: non-coding transcript variant (1).
Genome position (GRCh38, 1-based): chr9:95,446,976, A>G on the plus strand (T>C on the coding strand, the complement: PTCH1 is on the minus strand). VCF-style: chr9-95446976-A-G. GRCh37 (hg19) VCF-style: chr9-98209258-A-G.
Other names: c.4082T>C, p.Val1361Ala (NM_001083602.3); c.4277T>C, p.Val1426Ala (NM_001083603.3); c.3827T>C, p.Val1276Ala (NM_001083604.3, NM_001083605.3, NM_001083606.3 and 1 more transcripts); c.4124T>C, p.Val1375Ala (NM_001354918.2); short protein forms V1427A, V1361A, V1426A, V1375A, V1276A.
Identifiers: ClinVar variation 409174 (VCV000409174.12), dbSNP rs1060502283, ClinGen allele CA16612641.

ClinVar aggregate classification (germline): Uncertain significance. Review status: criteria provided, multiple submitters, no conflicts (2 of 4 stars). 2 submissions from 2 submitters: Uncertain significance (2). Last evaluated 2025-07-09.

Conditions:
Gorlin syndrome. Also called: Nevoid Basal Cell Carcinoma Syndrome; Basal cell nevus syndrome. Identifiers: Orphanet 377, MedGen C0004779, MONDO:0007187.
Hereditary cancer-predisposing syndrome. Also called: Hereditary neoplastic syndrome; Neoplastic Syndromes, Hereditary; Tumor predisposition; Hereditary Cancer Syndrome. Identifiers: Orphanet 140162, MedGen C0027672, MeSH D009386, MONDO:0015356.

Allele frequency attached by ClinVar (database versions not stated): TOPMed below 0.00001.

Submissions (2):

Labcorp Genetics (formerly Invitae), Labcorp
Classification: Uncertain significance for Gorlin syndrome. Last evaluated: 2025-07-09. Review status: criteria provided, single submitter. Criteria: Invitae Variant Classification Sherloc (09022015). Collection method: clinical testing. Allele origin: germline.
Comment: This sequence change replaces valine, which is neutral and non-polar, with alanine, which is neutral and non-polar, at codon 1427 of the PTCH1 protein (p.Val1427Ala). This variant is not present in population databases (gnomAD no frequency). This variant has not been reported in the literature in individuals affected with PTCH1-related conditions. ClinVar contains an entry for this variant (Variation ID: 409174). Invitae Evidence Modeling of protein sequence and biophysical properties (such as structural, functional, and spatial information, amino acid conservation, physicochemical variation, residue mobility, and thermodynamic stability) indicates that this missense variant is not expected to disrupt PTCH1 protein function with a negative predictive value of 95%. In summary, the available evidence is currently insufficient to determine the role of this variant in disease. Therefore, it has been classified as a Variant of Uncertain Significance.

Ambry Genetics
Classification: Uncertain significance for Hereditary cancer-predisposing syndrome. Last evaluated: 2025-04-03. Review status: criteria provided, single submitter. Criteria: Ambry Variant Classification Scheme 2023. Collection method: clinical testing. Allele origin: germline.
Comment: The p.V1427A variant (also known as c.4280T>C), located in coding exon 23 of the PTCH1 gene, results from a T to C substitution at nucleotide position 4280. The valine at codon 1427 is replaced by alanine, an amino acid with similar properties. This amino acid position is conserved. In addition, the in silico prediction for this alteration is inconclusive. Since supporting evidence is limited at this time, the clinical significance of this alteration remains unclear.